The following is an entry in ClinVar:

NM_032119.4(ADGRV1):c.17657C>A (p.Ala5886Asp)

Gene: ADGRV1 (adhesion G protein-coupled receptor V1; plus strand). Cytogenetic location: 5q14.3.
Variant type: single nucleotide variant.
Coding change: c.17657C>A on transcript NM_032119.4 (MANE Select); coding-DNA position 17657, C replaced by A.
Protein change: p.Ala5886Asp; replaces alanine 5886 with aspartic acid.
Molecular consequence: missense variant. On other transcripts: non-coding transcript variant (1).
Genome position (GRCh38, 1-based): chr5:90,855,803, C>A. VCF-style: chr5-90855803-C-A. GRCh37 (hg19) VCF-style: chr5-90151620-C-A.
Other names: short protein forms A5886D.
Identifiers: ClinVar variation 726228 (VCV000726228.13), dbSNP rs201254386, ClinGen allele CA3342411.
Genomic context (GRCh38, chr5:90,855,803, plus strand): 5'-GGTTGTCTGACAGTCAGTTTTGCAAAGTGGTTGAGGAAACTGCAGACTATGTGGAATGTG[C>A]CTGTTCACACATGTCTGTGTATGCTGTCTATGCTCGGACTGACAACTTGTCTTCATACAA-3'
Protein context (NP_115495.3, residues 5876-5896): VEETADYVEC[Ala5886Asp]CSHMSVYAVY

ClinVar aggregate classification (germline): Conflicting classifications of pathogenicity. Review status: criteria provided, conflicting classifications (1 of 4 stars). 4 submissions from 4 submitters: Uncertain significance (1); Likely benign (2). 1 of the submissions does not count toward it. Last evaluated 2026-01-12.

Conditions:
ADGRV1-related disorder. Also called: ADGRV1-related disorders; ADGRV1-related condition.

Allele frequency attached by ClinVar (database versions not stated): TOPMed 0.00012; ESP Exome Variant Server 0.00016; gnomAD 0.00025 and 0.00026.
gnomAD v4.1: 339 of 1,607,610 alleles (0.021%); highest among the groups gnomAD compares: Non-Finnish European, 0.016%; no homozygotes.

Submissions (4):

Labcorp Genetics (formerly Invitae), Labcorp
Classification: Likely benign. Last evaluated: 2026-01-12. Review status: criteria provided, single submitter. Criteria: Invitae Variant Classification Sherloc (09022015). Collection method: clinical testing. Allele origin: germline.

GeneDx
Classification: Uncertain significance. Last evaluated: 2024-11-05. Review status: criteria provided, single submitter. Criteria: GeneDx Variant Classification Process June 2021. Collection method: clinical testing. Allele origin: germline. Affected: yes.
Comment: In silico analysis supports that this missense variant has a deleterious effect on protein structure/function; Has not been previously published as pathogenic or benign to our knowledge

Blueprint Genetics
Classification: Likely benign. Last evaluated: 2024-10-07. Review status: criteria provided, single submitter. Criteria: ACMG Guidelines, 2015. Collection method: clinical testing. Allele origin: germline.

PreventionGenetics, part of Exact Sciences
Classification: Likely benign for ADGRV1-related condition. Last evaluated: 2024-05-06. Review status: no assertion criteria provided. Collection method: clinical testing. Allele origin: germline. Not counted in ClinVar's aggregate classification.
Comment: This variant is classified as likely benign based on ACMG/AMP sequence variant interpretation guidelines (Richards et al. 2015 PMID: 25741868, with internal and published modifications).